The following is an entry in ClinVar:

NM_024577.4(SH3TC2):c.279+1G>T

Gene: SH3TC2 (SH3 domain and tetratricopeptide repeats 2; minus strand). Cytogenetic location: 5q32.
Variant type: single nucleotide variant.
Coding change: c.279+1G>T on transcript NM_024577.4 (MANE Select); the canonical splice donor site of the intron after coding-DNA position 279, G replaced by T.
Molecular consequence: splice donor variant.
Genome position (GRCh38, 1-based): chr5:149,047,861, C>A on the plus strand (G>T on the coding strand, the complement: SH3TC2 is on the minus strand). VCF-style: chr5-149047861-C-A. GRCh37 (hg19) VCF-style: chr5-148427424-C-A.
Identifiers: ClinVar variation 3764670 (VCV003764670.2).

ClinVar aggregate classification (germline): Likely pathogenic (1 of 4 stars; one submission).

Conditions:
Charcot-Marie-Tooth disease type 4C (CMT4C). Also called: CHARCOT-MARIE-TOOTH DISEASE, DEMYELINATING, TYPE 4C; CMT 4C; SH3TC2-Related Hereditary Motor and Sensory Neuropathy; CHARCOT-MARIE-TOOTH DISEASE, DEMYELINATING, AUTOSOMAL RECESSIVE, TYPE 4C; Charcot-Marie-Tooth Neuropathy Type 4C (CMT4C). Identifiers: Orphanet 99949, MedGen C1866636, MONDO:0011113, OMIM 601596.

Submission:

Juno Genomics, Hangzhou Juno Genomics, Inc
Classification: Likely pathogenic for Charcot-Marie-Tooth disease type 4C. Review status: criteria provided, single submitter. Criteria: ACMG Guidelines, 2015. Collection method: clinical testing. Allele origin: germline. Affected: yes.
Comment: Absent from controls (or at extremely low frequency if recessive) in Genome Aggregation Database, Exome Sequencing Project, 1000 Genomes Project, or Exome Aggregation Consortium.;Null variant in a gene where loss of function (LOF) is a known mechanism of disease.